The following is an entry in ClinVar:

ClinVar aggregate classification (germline): Uncertain significance. Review status: criteria provided, multiple submitters, no conflicts (2 of 4 stars). 2 submissions from 2 submitters: Uncertain significance (2). Last evaluated 2022-07-05.

Conditions:
Aortic aneurysm, familial thoracic 7 (AAT7). Also called: AORTIC DISSECTION, FAMILIAL, WITH OR WITHOUT AORTIC ANEURYSM. Identifiers: MedGen C3151077, MONDO:0013418, OMIM 613780.

Submissions (2):

Labcorp Genetics (formerly Invitae), Labcorp
Classification: Uncertain significance for Aortic aneurysm, familial thoracic 7. Last evaluated: 2022-07-05. Review status: criteria provided, single submitter. Criteria: Invitae Variant Classification Sherloc (09022015). Collection method: clinical testing. Allele origin: germline.
Comment: In summary, the available evidence is currently insufficient to determine the role of this variant in disease. Therefore, it has been classified as a Variant of Uncertain Significance. Advanced modeling of protein sequence and biophysical properties (such as structural, functional, and spatial information, amino acid conservation, physicochemical variation, residue mobility, and thermodynamic stability) performed at Invitae indicates that this missense variant is not expected to disrupt MYLK protein function. ClinVar contains an entry for this variant (Variation ID: 862686). This variant has not been reported in the literature in individuals affected with MYLK-related conditions. This variant is not present in population databases (gnomAD no frequency). This sequence change replaces serine, which is neutral and polar, with asparagine, which is neutral and polar, at codon 618 of the MYLK protein (p.Ser618Asn).

Blueprint Genetics
Classification: Uncertain significance. Last evaluated: 2021-05-18. Review status: criteria provided, single submitter. Criteria: ACMG Guidelines, 2015. Collection method: clinical testing. Allele origin: germline.

NM_053025.4(MYLK):c.1853G>A (p.Ser618Asn)

Gene: MYLK (myosin light chain kinase; minus strand). Cytogenetic location: 3q21.1.
Variant type: single nucleotide variant.
Coding change: c.1853G>A on transcript NM_053025.4 (MANE Select); coding-DNA position 1853, G replaced by A.
Protein change: p.Ser618Asn; replaces serine 618 with asparagine.
Molecular consequence: missense variant.
Genome position (GRCh38, 1-based): chr3:123,709,845, C>T on the plus strand (G>A on the coding strand, the complement: MYLK is on the minus strand). VCF-style: chr3-123709845-C-T. GRCh37 (hg19) VCF-style: chr3-123428692-C-T.
Other names: c.1325G>A, p.Ser442Asn (NM_001321309.2); c.1646G>A, p.Ser549Asn (NM_053026.4, NM_053028.4); c.1853G>A, p.Ser618Asn (NM_053027.4); short protein forms S442N, S618N, S549N.
Identifiers: ClinVar variation 862686 (VCV000862686.10), dbSNP rs2061620897, ClinGen allele CA354235085.